The following is an entry in ClinVar:

ClinVar aggregate classification (germline): Uncertain significance (1 of 4 stars; one submission).

Submission:

Labcorp Genetics (formerly Invitae), Labcorp
Classification: Uncertain significance. Last evaluated: 2023-10-13. Review status: criteria provided, single submitter. Criteria: Invitae Variant Classification Sherloc (09022015). Collection method: clinical testing. Allele origin: germline.
Comment: This sequence change replaces aspartic acid, which is acidic and polar, with asparagine, which is neutral and polar, at codon 284 of the ALPL protein (p.Asp284Asn). This variant is not present in population databases (gnomAD no frequency). This variant has not been reported in the literature in individuals affected with ALPL-related conditions. Advanced modeling of protein sequence and biophysical properties (such as structural, functional, and spatial information, amino acid conservation, physicochemical variation, residue mobility, and thermodynamic stability) performed at Invitae indicates that this missense variant is expected to disrupt ALPL protein function. In summary, the available evidence is currently insufficient to determine the role of this variant in disease. Therefore, it has been classified as a Variant of Uncertain Significance.

NM_000478.6(ALPL):c.850G>A (p.Asp284Asn)

Gene: ALPL (alkaline phosphatase, biomineralization associated; plus strand). Cytogenetic location: 1p36.12.
Variant type: single nucleotide variant.
Coding change: c.850G>A on transcript NM_000478.6 (MANE Select); coding-DNA position 850, G replaced by A.
Protein change: p.Asp284Asn; replaces aspartic acid 284 with asparagine.
Molecular consequence: missense variant.
Genome position (GRCh38, 1-based): chr1:21,570,362, G>A. VCF-style: chr1-21570362-G-A. GRCh37 (hg19) VCF-style: chr1-21896855-G-A.
Other names: c.685G>A, p.Asp229Asn (NM_001127501.4); c.619G>A, p.Asp207Asn (NM_001177520.3); c.850G>A, p.Asp284Asn (NM_001369803.2, NM_001369804.2, NM_001369805.2); short protein forms D207N, D229N, D284N.
Identifiers: ClinVar variation 2894016 (VCV002894016.3), dbSNP rs746700357, ClinGen allele CA338879990.